The following is an entry in ClinVar:

ClinVar aggregate classification (germline): Uncertain significance. Review status: criteria provided, multiple submitters, no conflicts (2 of 4 stars). 2 submissions from 2 submitters: Uncertain significance (2). Last evaluated 2024-12-22.

Conditions:
Hereditary cancer-predisposing syndrome. Also called: Neoplastic Syndromes, Hereditary; Tumor predisposition; Hereditary neoplastic syndrome; Hereditary Cancer Syndrome. Identifiers: Orphanet 140162, MedGen C0027672, MeSH D009386, MONDO:0015356.
Hereditary breast ovarian cancer syndrome. Also called: Hereditary breast and ovarian cancer syndrome (HBOC); Hereditary breast and ovarian cancer; BRCA1- and BRCA2-Associated Hereditary Breast and Ovarian Cancer; Hereditary breast and ovarian cancer syndrome; Hereditary breast and/or ovarian cancer syndrome; Breast and ovarian cancer. Identifiers: Orphanet 145, MedGen C0677776, MeSH D061325, MONDO:0003582. Disease mechanism: loss of function.

Submissions (2):

Ambry Genetics
Classification: Uncertain significance for Hereditary cancer-predisposing syndrome. Last evaluated: 2024-12-22. Review status: criteria provided, single submitter. Criteria: Ambry Variant Classification Scheme 2023. Collection method: clinical testing. Allele origin: germline.
Comment: The p.L2540V variant (also known as c.7618C>G) is located in coding exon 15 of the BRCA2 gene. The leucine at codon 2540 is replaced by valine, an amino acid with highly similar properties. This change occurs in the first base pair of coding exon 15. This amino acid position is conserved. In addition, the in silico prediction for this alteration is inconclusive. Based on the available evidence, the clinical significance of this variant remains unclear.

Labcorp Genetics (formerly Invitae), Labcorp
Classification: Uncertain significance for Hereditary breast ovarian cancer syndrome. Last evaluated: 2024-03-25. Review status: criteria provided, single submitter. Criteria: Invitae Variant Classification Sherloc (09022015). Collection method: clinical testing. Allele origin: germline.
Comment: This sequence change replaces leucine, which is neutral and non-polar, with valine, which is neutral and non-polar, at codon 2540 of the BRCA2 protein (p.Leu2540Val). This variant is not present in population databases (gnomAD no frequency). This variant has not been reported in the literature in individuals affected with BRCA2-related conditions. An algorithm developed to predict the effect of missense changes on protein structure and function (PolyPhen-2) suggests that this variant is likely to be disruptive. In summary, the available evidence is currently insufficient to determine the role of this variant in disease. Therefore, it has been classified as a Variant of Uncertain Significance.

NM_000059.4(BRCA2):c.7618C>G (p.Leu2540Val)

Gene: BRCA2 (BRCA2 DNA repair associated; plus strand). Cytogenetic location: 13q13.1.
Variant type: single nucleotide variant.
Coding change: c.7618C>G on transcript NM_000059.4 (MANE Select); coding-DNA position 7618, C replaced by G.
Protein change: p.Leu2540Val; replaces leucine 2540 with valine.
Molecular consequence: missense variant. On other transcripts: non-coding transcript variant (1).
Genome position (GRCh38, 1-based): chr13:32,357,742, C>G. VCF-style: chr13-32357742-C-G. GRCh37 (hg19) VCF-style: chr13-32931879-C-G.
Other names: c.7522C>G, p.Leu2508Val (NM_001406719.1); c.7618C>G, p.Leu2540Val (NM_001406720.1, NM_001432077.1); c.2686C>G, p.Leu896Val (NM_001406721.1); c.1201C>G, p.Leu401Val (NM_001406722.1); short protein forms L2508V, L401V, L896V, L2540V.
Identifiers: ClinVar variation 3647547 (VCV003647547.3).